The following is an entry in ClinVar:

NM_000070.3(CAPN3):c.1782+223A>G

Gene: CAPN3 (calpain 3; plus strand). Cytogenetic location: 15q15.1.
Variant type: single nucleotide variant.
Coding change: c.1782+223A>G on transcript NM_000070.3 (MANE Select); 223 bases into the intron after coding-DNA position 1782, A replaced by G.
Molecular consequence: intron variant.
Genome position (GRCh38, 1-based): chr15:42,404,000, A>G. VCF-style: chr15-42404000-A-G. GRCh37 (hg19) VCF-style: chr15-42696198-A-G.
Other names: c.1782+223A>G (NM_024344.2); c.1638+223A>G (NM_173087.2); c.246+223A>G (NM_173088.2).
Identifiers: ClinVar variation 1192759 (VCV001192759.10), dbSNP rs141693768, ClinGen allele CA269845288.

ClinVar aggregate classification (germline): Likely benign. Review status: criteria provided, multiple submitters, no conflicts (2 of 4 stars). 3 submissions from 3 submitters: Likely benign (3). Last evaluated 2026-09-01.

Allele frequency attached by ClinVar (database versions not stated): 1000 Genomes Project 30x 0.00031; 1000 Genomes Project 0.00040; TOPMed 0.00209; gnomAD 0.00313 and 0.00321.
gnomAD v4.1: 2,309 of 649,406 alleles (0.36%); highest among the groups gnomAD compares: Non-Finnish European, 0.48%; 11 homozygotes.

Submissions (3):

CeGaT Center for Human Genetics Tuebingen
Classification: Likely benign. Last evaluated: 2026-09-01. Review status: criteria provided, single submitter. Criteria: CeGaT Center For Human Genetics Tuebingen Variant Classification Criteria Version 2. Collection method: clinical testing. Allele origin: germline. Affected: yes. Observed: 10 variant alleles.
Comment: CAPN3: BS2

GeneDx
Classification: Likely benign. Last evaluated: 2018-09-18. Review status: criteria provided, single submitter. Criteria: GeneDx Variant Classification Process June 2021. Collection method: clinical testing. Allele origin: germline. Affected: yes.

Breakthrough Genomics
Classification: Likely benign. Review status: criteria provided, single submitter. Criteria: ACMG Guidelines, 2015. Collection method: not provided. Allele origin: germline. Inheritance: Autosomal recessive inheritance. Affected: yes.